The following is an entry in ClinVar:

NM_000045.4(ARG1):c.551C>A (p.Pro184His)

Genes: ARG1 (arginase 1; plus strand), MED23 (mediator complex subunit 23; minus strand). Cytogenetic location: 6q23.2.
Variant type: single nucleotide variant.
Coding change: c.551C>A on transcript NM_000045.4 (MANE Select); coding-DNA position 551, C replaced by A.
Protein change: p.Pro184His; replaces proline 184 with histidine.
Molecular consequence: missense variant. On other transcripts: non-coding transcript variant (1), intron variant (3).
Genome position (GRCh38, 1-based): chr6:131,582,706, C>A. VCF-style: chr6-131582706-C-A. GRCh37 (hg19) VCF-style: chr6-131903846-C-A.
Other names: c.575C>A, p.Pro192His (NM_001244438.2); c.306-354C>A (NM_001369020.1); c.4077+5003G>T (NM_001270521.2); c.4095+5003G>T (NM_015979.4); short protein forms P192H, P184H.
Identifiers: ClinVar variation 1371949 (VCV001371949.4), dbSNP rs1773994839, ClinGen allele CA365651504.

ClinVar aggregate classification (germline): Uncertain significance (1 of 4 stars; one submission).

Conditions:
Arginase deficiency. Also called: ARGININEMIA; ARG1 DEFICIENCY; Arginase 1 Deficiency. Identifiers: Orphanet 90, MedGen C0268548, MONDO:0008814, OMIM 207800.

Allele frequency attached by ClinVar (database versions not stated): TOPMed below 0.00001.

Submission:

Labcorp Genetics (formerly Invitae), Labcorp
Classification: Uncertain significance for Arginase deficiency. Last evaluated: 2021-10-22. Review status: criteria provided, single submitter. Criteria: Invitae Variant Classification Sherloc (09022015). Collection method: clinical testing. Allele origin: germline.
Comment: This sequence change replaces proline, a(n) neutral and non-polar amino acid, with histidine, a(n) basic and polar amino acid, at codon 184 of the ARG1 protein (p.Pro184His). This variant is not present in population databases (gnomAD no frequency). This variant has not been reported in the literature in individuals affected with ARG1-related conditions. Algorithms developed to predict the effect of missense changes on protein structure and function (SIFT, PolyPhen-2, Align-GVGD) all suggest that this variant is likely to be disruptive. In summary, the available evidence is currently insufficient to determine the role of this variant in disease. Therefore, it has been classified as a Variant of Uncertain Significance.